The following is an entry in ClinVar:

ClinVar aggregate classification (germline): Uncertain significance (1 of 4 stars; one submission).

Conditions:
Hyperaldosteronism, familial, type IV (HALD4). Also called: FH IV; ALDOSTERONISM, PRIMARY, AND HYPERTENSION. Identifiers: Orphanet 642671, MedGen C4310756, MONDO:0014875, OMIM 617027.
Idiopathic generalized epilepsy. Also called: Generalised epilepsy; EIG. Identifiers: MedGen C0270850, MONDO:0005579, OMIM 600669.

Submission:

Labcorp Genetics (formerly Invitae), Labcorp
Classification: Uncertain significance for Idiopathic generalized epilepsy; Hyperaldosteronism, familial, type IV. Last evaluated: 2020-03-30. Review status: criteria provided, single submitter. Criteria: Invitae Variant Classification Sherloc (09022015). Collection method: clinical testing. Allele origin: germline.
Comment: In summary, the available evidence is currently insufficient to determine the role of this variant in disease. Therefore, it has been classified as a Variant of Uncertain Significance. Algorithms developed to predict the effect of missense changes on protein structure and function (SIFT, PolyPhen-2, Align-GVGD) all suggest that this variant is likely to be tolerated, but these predictions have not been confirmed by published functional studies and their clinical significance is uncertain. This variant has not been reported in the literature in individuals with CACNA1H-related conditions. The frequency data for this variant in the population databases is considered unreliable, as metrics indicate insufficient coverage at this position in the ExAC database. This sequence change replaces arginine with leucine at codon 2005 of the CACNA1H protein (p.Arg2005Leu). The arginine residue is moderately conserved and there is a moderate physicochemical difference between arginine and leucine.

NM_021098.3(CACNA1H):c.6014G>T (p.Arg2005Leu)

Gene: CACNA1H (calcium voltage-gated channel subunit alpha1 H; plus strand). Cytogenetic location: 16p13.3.
Variant type: single nucleotide variant.
Coding change: c.6014G>T on transcript NM_021098.3 (MANE Select); coding-DNA position 6014, G replaced by T.
Protein change: p.Arg2005Leu; replaces arginine 2005 with leucine.
Molecular consequence: missense variant.
Genome position (GRCh38, 1-based): chr16:1,219,096, G>T. VCF-style: chr16-1219096-G-T. GRCh37 (hg19) VCF-style: chr16-1269096-G-T.
Other names: c.5996G>T, p.Arg1999Leu (NM_001005407.2); short protein forms R1999L, R2005L.
Identifiers: ClinVar variation 1063489 (VCV001063489.9), dbSNP rs368553931, ClinGen allele CA394148492.